The following is an entry in ClinVar:

NM_015450.3(POT1):c.694T>A (p.Ser232Thr)

Gene: POT1 (protection of telomeres 1; minus strand). Cytogenetic location: 7q31.33.
Variant type: single nucleotide variant.
Coding change: c.694T>A on transcript NM_015450.3 (MANE Select); coding-DNA position 694, T replaced by A.
Protein change: p.Ser232Thr; replaces serine 232 with threonine.
Molecular consequence: missense variant. On other transcripts: non-coding transcript variant (3).
Genome position (GRCh38, 1-based): chr7:124,858,965, A>T on the plus strand (T>A on the coding strand, the complement: POT1 is on the minus strand). VCF-style: chr7-124858965-A-T. GRCh37 (hg19) VCF-style: chr7-124499019-A-T.
Other names: c.301T>A, p.Ser101Thr (NM_001042594.2); short protein forms S101T, S232T.
Identifiers: ClinVar variation 3226688 (VCV003226688.1), dbSNP rs2116525133, ClinGen allele CA369055998.

ClinVar aggregate classification (germline): Uncertain significance (1 of 4 stars; one submission).

Conditions:
Hereditary cancer-predisposing syndrome. Also called: Neoplastic Syndromes, Hereditary; Tumor predisposition; Hereditary neoplastic syndrome; Hereditary Cancer Syndrome. Identifiers: Orphanet 140162, MedGen C0027672, MeSH D009386, MONDO:0015356.

Submission:

Ambry Genetics
Classification: Uncertain significance for Hereditary cancer-predisposing syndrome. Last evaluated: 2023-11-29. Review status: criteria provided, single submitter. Criteria: Ambry Variant Classification Scheme 2023. Collection method: clinical testing. Allele origin: germline.
Comment: The p.S232T variant (also known as c.694T>A), located in coding exon 5 of the POT1 gene, results from a T to A substitution at nucleotide position 694. The serine at codon 232 is replaced by threonine, an amino acid with similar properties. This amino acid position is conserved. In addition, this alteration is predicted to be tolerated by in silico analysis. Since supporting evidence is limited at this time, the clinical significance of this alteration remains unclear.